The following is an entry in ClinVar:

ClinVar aggregate classification (germline): Uncertain significance (1 of 4 stars; one submission).

Conditions:
Arrhythmogenic cardiomyopathy with wooly hair and keratoderma. Also called: Carvajal syndrome; PALMOPLANTAR KERATODERMA WITH LEFT VENTRICULAR CARDIOMYOPATHY AND WOOLLY HAIR; Dilated cardiomyopathy with woolly hair and keratoderma; Arrhythmogenic cardiomyopathy with woolly hair and keratoderma. Identifiers: Orphanet 65282, MedGen C1854063, MONDO:0011581, OMIM 605676.
Arrhythmogenic right ventricular dysplasia 8 (ARVD8). Also called: Arrhythmogenic Right Ventricular Dysplasia/Cardiomyopathy 8; ARRHYTHMOGENIC RIGHT VENTRICULAR DYSPLASIA, FAMILIAL, 8; ARRHYTHMOGENIC RIGHT VENTRICULAR CARDIOMYOPATHY 8. Identifiers: MedGen C1843896, MONDO:0011831, OMIM 607450.

gnomAD v4.1: 2 of 1,614,164 alleles (0.00012%); highest among the groups gnomAD compares: Non-Finnish European, 0.00017%; no homozygotes.

Submission:

Labcorp Genetics (formerly Invitae), Labcorp
Classification: Uncertain significance for Arrhythmogenic cardiomyopathy with wooly hair and keratoderma; Arrhythmogenic right ventricular dysplasia 8. Last evaluated: 2025-07-29. Review status: criteria provided, single submitter. Criteria: Invitae Variant Classification Sherloc (09022015). Collection method: clinical testing. Allele origin: germline.
Comment: This sequence change replaces aspartic acid, which is acidic and polar, with glutamic acid, which is acidic and polar, at codon 2766 of the DSP protein (p.Asp2766Glu). This variant is present in population databases (rs759360499, gnomAD 0.0009%). This variant has not been reported in the literature in individuals affected with DSP-related conditions. An algorithm developed to predict the effect of missense changes on protein structure and function (PolyPhen-2) suggests that this variant is likely to be disruptive. In summary, the available evidence is currently insufficient to determine the role of this variant in disease. Therefore, it has been classified as a Variant of Uncertain Significance.

NM_004415.4(DSP):c.8298C>G (p.Asp2766Glu)

Gene: DSP (desmoplakin; plus strand). Cytogenetic location: 6p24.3.
Variant type: single nucleotide variant.
Coding change: c.8298C>G on transcript NM_004415.4 (MANE Select); coding-DNA position 8298, C replaced by G.
Protein change: p.Asp2766Glu; replaces aspartic acid 2766 with glutamic acid.
Molecular consequence: missense variant.
Genome position (GRCh38, 1-based): chr6:7,585,560, C>G. VCF-style: chr6-7585560-C-G. GRCh37 (hg19) VCF-style: chr6-7585793-C-G.
Other names: c.6501C>G, p.Asp2167Glu (NM_001008844.3); c.6969C>G, p.Asp2323Glu (NM_001319034.2); short protein forms D2323E, D2766E, D2167E.
Identifiers: ClinVar variation 4785711 (VCV004785711.1).